The following is an entry in ClinVar:

NM_031935.3(HMCN1):c.8975C>T (p.Pro2992Leu)

Gene: HMCN1 (hemicentin 1; plus strand). Cytogenetic location: 1q31.1.
Variant type: single nucleotide variant.
Coding change: c.8975C>T on transcript NM_031935.3 (MANE Select); coding-DNA position 8975, C replaced by T.
Protein change: p.Pro2992Leu; replaces proline 2992 with leucine.
Molecular consequence: missense variant.
Genome position (GRCh38, 1-based): chr1:186,086,336, C>T. VCF-style: chr1-186086336-C-T. GRCh37 (hg19) VCF-style: chr1-186055468-C-T.
Other names: short protein forms P2992L.
Identifiers: ClinVar variation 294204 (VCV000294204.11), dbSNP rs574155244, ClinGen allele CA1293278.

ClinVar aggregate classification (germline): Uncertain significance. Review status: criteria provided, multiple submitters, no conflicts (2 of 4 stars). 4 submissions from 4 submitters: Uncertain significance (4). Last evaluated 2023-04-11.

Conditions:
Age related macular degeneration 1 (ARMD1). Also called: MACULOPATHY, AGE-RELATED, 1. Identifiers: MedGen C1864205, MONDO:0011285, OMIM 603075.

Allele frequency attached by ClinVar (database versions not stated): gnomAD 0.00001 and 0.00004; gnomAD exomes 0.00001 and 0.00003; TOPMed 0.00001; ExAC 0.00002; 1000 Genomes Project 30x 0.00016; 1000 Genomes Project 0.00020.
gnomAD v4.1: 26 of 1,613,210 alleles (0.0016%); highest among the groups gnomAD compares: South Asian, 0.02%; 1 homozygote.

Submissions (4):

Genome-Nilou Lab
Classification: Uncertain significance for Age related macular degeneration 1. Last evaluated: 2023-04-11. Review status: criteria provided, single submitter. Criteria: ACMG Guidelines, 2015. Collection method: clinical testing. Allele origin: germline. Affected: no.

Labcorp Genetics (formerly Invitae), Labcorp
Classification: Uncertain significance. Last evaluated: 2022-10-17. Review status: criteria provided, single submitter. Criteria: Invitae Variant Classification Sherloc (09022015). Collection method: clinical testing. Allele origin: germline.
Comment: This sequence change replaces proline, which is neutral and non-polar, with leucine, which is neutral and non-polar, at codon 2992 of the HMCN1 protein (p.Pro2992Leu). In summary, the available evidence is currently insufficient to determine the role of this variant in disease. Therefore, it has been classified as a Variant of Uncertain Significance. Algorithms developed to predict the effect of missense changes on protein structure and function (SIFT, PolyPhen-2, Align-GVGD) all suggest that this variant is likely to be disruptive. ClinVar contains an entry for this variant (Variation ID: 294204). This variant has not been reported in the literature in individuals affected with HMCN1-related conditions. This variant is present in population databases (rs574155244, gnomAD 0.02%).

Ambry Genetics
Classification: Uncertain significance. Last evaluated: 2021-10-27. Review status: criteria provided, single submitter. Criteria: Ambry Variant Classification Scheme 2023. Collection method: clinical testing. Allele origin: germline.

Illumina Laboratory Services, Illumina
Classification: Uncertain significance for Age related macular degeneration 1. Last evaluated: 2018-01-13. Review status: criteria provided, single submitter. Criteria: ICSL Variant Classification Criteria 13 December 2019. Collection method: clinical testing. Allele origin: germline.